The following is an entry in ClinVar:

NM_015662.3(IFT172):c.1161T>C (p.Leu387=)

Gene: IFT172 (intraflagellar transport 172; minus strand). Cytogenetic location: 2p23.3.
Variant type: single nucleotide variant.
Coding change: c.1161T>C on transcript NM_015662.3 (MANE Select); coding-DNA position 1161, T replaced by C.
Protein change: p.Leu387=; no amino-acid change (leucine 387 retained).
Molecular consequence: synonymous variant.
Genome position (GRCh38, 1-based): chr2:27,478,001, A>G on the plus strand (T>C on the coding strand, the complement: IFT172 is on the minus strand). VCF-style: chr2-27478001-A-G. GRCh37 (hg19) VCF-style: chr2-27700868-A-G.
Other names: c.1161T>C, p.Leu387= (NM_001410739.1).
Identifiers: ClinVar variation 2650770 (VCV002650770.25), dbSNP rs2465989978, ClinGen allele CA425412816.

ClinVar aggregate classification (germline): Likely benign. Review status: criteria provided, multiple submitters, no conflicts (2 of 4 stars). 2 submissions from 2 submitters: Likely benign (2). Last evaluated 2022-06-01.

Submissions (2):

CeGaT Center for Human Genetics Tuebingen
Classification: Likely benign. Last evaluated: 2022-06-01. Review status: criteria provided, single submitter. Criteria: CeGaT Center For Human Genetics Tuebingen Variant Classification Criteria Version 2. Collection method: clinical testing. Allele origin: germline. Affected: yes. Observed: 1 variant allele.
Comment: IFT172: PM2:Supporting, BP4, BP7

Blueprint Genetics
Classification: Likely benign. Last evaluated: 2020-02-06. Review status: criteria provided, single submitter. Criteria: ACMG Guidelines, 2015. Collection method: clinical testing. Allele origin: germline.